The following is an entry in ClinVar:

ClinVar aggregate classification (germline): Conflicting classifications of pathogenicity. Review status: criteria provided, conflicting classifications (1 of 4 stars). 2 submissions from 2 submitters: Uncertain significance (1); Likely benign (1). Last evaluated 2023-06-29.

Conditions:
Inborn genetic diseases. Identifiers: MedGen C0950123, MeSH D030342.

Allele frequency attached by ClinVar (database versions not stated): gnomAD exomes below 0.00001 and 0.00002; ExAC 0.00002; gnomAD 0.00002; TOPMed 0.00003.
gnomAD v4.1: 9 of 1,613,952 alleles (0.00056%); highest among the groups gnomAD compares: East Asian, 0.018%; no homozygotes.

Submissions (2):

Blueprint Genetics
Classification: Likely benign. Last evaluated: 2023-06-29. Review status: criteria provided, single submitter. Criteria: ACMG Guidelines, 2015. Collection method: clinical testing. Allele origin: germline.

Ambry Genetics
Classification: Uncertain significance for Inborn genetic diseases. Last evaluated: 2016-07-14. Review status: criteria provided, single submitter. Criteria: Ambry Variant Classification Scheme 2023. Collection method: clinical testing. Allele origin: germline.
Comment: The p.S2869P variant (also known as c.8605T>C), located in coding exon 37 of the CHD7 gene, results from a T to C substitution at nucleotide position 8605. The serine at codon 2869 is replaced by proline, an amino acid with similar properties. This variant was not reported in population based cohorts in the following databases: Database of Single Nucleotide Polymorphisms (dbSNP), NHLBI Exome Sequencing Project (ESP), and 1000 Genomes Project. In the ESP, this variant was not observed in 6392 samples (12784 alleles) with coverage at this position. This amino acid position is not well conserved in available vertebrate species. In addition, this alteration is predicted to be tolerated by in silico analysis. Since supporting evidence is limited at this time, the clinical significance of this variant remains unclear.

NM_017780.4(CHD7):c.8605T>C (p.Ser2869Pro)

Gene: CHD7 (chromodomain helicase DNA binding protein 7; plus strand). Cytogenetic location: 8q12.2.
Variant type: single nucleotide variant.
Coding change: c.8605T>C on transcript NM_017780.4 (MANE Select); coding-DNA position 8605, T replaced by C.
Protein change: p.Ser2869Pro; replaces serine 2869 with proline.
Molecular consequence: missense variant.
Genome position (GRCh38, 1-based): chr8:60,865,544, T>C. VCF-style: chr8-60865544-T-C. GRCh37 (hg19) VCF-style: chr8-61778103-T-C.
Other names: c.2458T>C, p.Ser820Pro (NM_001316690.1); short protein forms S2869P, S820P.
Identifiers: ClinVar variation 588048 (VCV000588048.6), dbSNP rs778436403, ClinGen allele CA4761038.